The following is an entry in ClinVar:

ClinVar aggregate classification (germline): Uncertain significance (1 of 4 stars; one submission).

Conditions:
Atrioventricular septal defect 5 (AVSD5). Identifiers: MedGen C3280939, MONDO:0013769, OMIM 614474.

Allele frequency attached by ClinVar (database versions not stated): TOPMed below 0.00001; gnomAD 0.00001; gnomAD exomes 0.00001.
gnomAD v4.1: 8 of 1,498,480 alleles (0.00053%); highest among the groups gnomAD compares: African/African-American, 0.0029%; no homozygotes.

Submission:

Labcorp Genetics (formerly Invitae), Labcorp
Classification: Uncertain significance for Atrioventricular septal defect 5. Last evaluated: 2022-03-19. Review status: criteria provided, single submitter. Criteria: Invitae Variant Classification Sherloc (09022015). Collection method: clinical testing. Allele origin: germline.
Comment: This sequence change replaces alanine, which is neutral and non-polar, with threonine, which is neutral and polar, at codon 180 of the GATA6 protein (p.Ala180Thr). This variant is not present in population databases (gnomAD no frequency). This variant has not been reported in the literature in individuals affected with GATA6-related conditions. Algorithms developed to predict the effect of missense changes on protein structure and function are either unavailable or do not agree on the potential impact of this missense change (SIFT: "Deleterious"; PolyPhen-2: "Possibly Damaging"; Align-GVGD: "Class C0"). In summary, the available evidence is currently insufficient to determine the role of this variant in disease. Therefore, it has been classified as a Variant of Uncertain Significance.

NM_005257.6(GATA6):c.538G>A (p.Ala180Thr)

Gene: GATA6 (GATA binding protein 6; plus strand). Cytogenetic location: 18q11.2.
Variant type: single nucleotide variant.
Coding change: c.538G>A on transcript NM_005257.6 (MANE Select); coding-DNA position 538, G replaced by A.
Protein change: p.Ala180Thr; replaces alanine 180 with threonine.
Molecular consequence: missense variant.
Genome position (GRCh38, 1-based): chr18:22,171,682, G>A. VCF-style: chr18-22171682-G-A. GRCh37 (hg19) VCF-style: chr18-19751643-G-A.
Other names: short protein forms A180T.
Identifiers: ClinVar variation 1443082 (VCV001443082.8), dbSNP rs897655941, ClinGen allele CA297147758.
Genomic context (GRCh38, chr18:22,171,682, plus strand): 5'-GCCGCCTACGACGGCGCGCCCGGCGGCTTCGTGCACTCTGCGGCCGCGGCGGCAGCAGCC[G>A]CGGCGGCGGCCAGCTCCCCGGTCTACGTGCCCACCACCCGCGTGGGTTCCATGCTGCCCG-3'
Protein context (NP_005248.2, residues 170-190): VHSAAAAAAA[Ala180Thr]AAASSPVYVP